The following is an entry in ClinVar:

ClinVar aggregate classification (germline): Uncertain significance (1 of 4 stars; one submission).

Allele frequency attached by ClinVar (database versions not stated): gnomAD exomes below 0.00001.
gnomAD v4.1: 2 of 1,614,216 alleles (0.00012%); highest among the groups gnomAD compares: African/African-American, 0.0013%; no homozygotes.

Submission:

Labcorp Genetics (formerly Invitae), Labcorp
Classification: Uncertain significance. Last evaluated: 2023-06-04. Review status: criteria provided, single submitter. Criteria: Invitae Variant Classification Sherloc (09022015). Collection method: clinical testing. Allele origin: germline.
Comment: In summary, the available evidence is currently insufficient to determine the role of this variant in disease. Therefore, it has been classified as a Variant of Uncertain Significance. Advanced modeling of protein sequence and biophysical properties (such as structural, functional, and spatial information, amino acid conservation, physicochemical variation, residue mobility, and thermodynamic stability) performed at Invitae indicates that this missense variant is not expected to disrupt JAK1 protein function. This variant has not been reported in the literature in individuals affected with JAK1-related conditions. This variant is not present in population databases (gnomAD no frequency). This sequence change replaces histidine, which is basic and polar, with arginine, which is basic and polar, at codon 129 of the JAK1 protein (p.His129Arg).

NM_002227.4(JAK1):c.386A>G (p.His129Arg)

Gene: JAK1 (Janus kinase 1; minus strand). Cytogenetic location: 1p31.3.
Variant type: single nucleotide variant.
Coding change: c.386A>G on transcript NM_002227.4 (MANE Select); coding-DNA position 386, A replaced by G.
Protein change: p.His129Arg; replaces histidine 129 with arginine.
Molecular consequence: missense variant.
Genome position (GRCh38, 1-based): chr1:64,873,467, T>C on the plus strand (A>G on the coding strand, the complement: JAK1 is on the minus strand). VCF-style: chr1-64873467-T-C. GRCh37 (hg19) VCF-style: chr1-65339150-T-C.
Other names: c.386A>G, p.His129Arg (NM_001320923.2, NM_001321852.2, NM_001321853.2 and 4 more transcripts); short protein forms H129R.
Identifiers: ClinVar variation 2788766 (VCV002788766.3), dbSNP rs2523004350, ClinGen allele CA340677854.